The following is an entry in ClinVar:

ClinVar aggregate classification (germline): Uncertain significance (1 of 4 stars; one submission).

Submission:

GeneDx
Classification: Uncertain significance. Last evaluated: 2025-09-26. Review status: criteria provided, single submitter. Criteria: GeneDx Variant Classification Process June 2021. Collection method: clinical testing. Allele origin: germline. Affected: yes.
Comment: Not observed at significant frequency in large population cohorts (gnomAD); Has not been previously published as pathogenic or benign to our knowledge; In silico analysis is inconclusive as to whether the variant alters gene splicing. In the absence of RNA/functional studies, the actual effect of this sequence change is unknown.

NM_005085.4(NUP214):c.6074+5G>A

Gene: NUP214 (nucleoporin 214; plus strand). Cytogenetic location: 9q34.13.
Variant type: single nucleotide variant.
Coding change: c.6074+5G>A on transcript NM_005085.4 (MANE Select); 5 bases into the intron after coding-DNA position 6074, G replaced by A.
Molecular consequence: intron variant.
Genome position (GRCh38, 1-based): chr9:131,228,336, G>A. VCF-style: chr9-131228336-G-A. GRCh37 (hg19) VCF-style: chr9-134103723-G-A.
Other names: c.6044+5G>A (NM_001318324.2); c.2552+5G>A (NM_001318325.2).
Identifiers: ClinVar variation 4818901 (VCV004818901.1).